The following is an entry in ClinVar:

NM_000059.4(BRCA2):c.8554G>A (p.Ala2852Thr)

Gene: BRCA2 (BRCA2 DNA repair associated; plus strand). Cytogenetic location: 13q13.1.
Variant type: single nucleotide variant.
Coding change: c.8554G>A on transcript NM_000059.4 (MANE Select); coding-DNA position 8554, G replaced by A.
Protein change: p.Ala2852Thr; replaces alanine 2852 with threonine.
Molecular consequence: missense variant.
Genome position (GRCh38, 1-based): chr13:32,371,022, G>A. VCF-style: chr13-32371022-G-A. GRCh37 (hg19) VCF-style: chr13-32945159-G-A.
Other names: short protein forms A2852T.
Identifiers: ClinVar variation 480969 (VCV000480969.20), dbSNP rs1555287769, ClinGen allele CA387752784.
Genomic context (GRCh38, chr13:32,371,022, plus strand): 5'-GAGAAGACATCATCTGGATTATACATATTTCGCAATGAAAGAGAGGAAGAAAAGGAAGCA[G>A]CAAAATATGTGGAGGCCCAACAAAAGAGACTAGAAGCCTTATTCACTAAAATTCAGGAGG-3'
Protein context (NP_000050.3, residues 2842-2862): RNEREEEKEA[Ala2852Thr]KYVEAQQKRL

ClinVar aggregate classification (germline): Conflicting classifications of pathogenicity. Review status: criteria provided, conflicting classifications (1 of 4 stars). 3 submissions from 3 submitters: Uncertain significance (2); Likely benign (1). Last evaluated 2025-10-01.

Conditions:
Hereditary cancer-predisposing syndrome. Also called: Hereditary Cancer Syndrome; Neoplastic Syndromes, Hereditary; Tumor predisposition; Hereditary neoplastic syndrome. Identifiers: Orphanet 140162, MedGen C0027672, MeSH D009386, MONDO:0015356.
Hereditary breast ovarian cancer syndrome. Also called: Hereditary breast and ovarian cancer syndrome; Hereditary breast and ovarian cancer; Hereditary breast and ovarian cancer syndrome (HBOC); Breast and ovarian cancer; Hereditary breast and/or ovarian cancer syndrome; BRCA1- and BRCA2-Associated Hereditary Breast and Ovarian Cancer. Identifiers: Orphanet 145, MedGen C0677776, MeSH D061325, MONDO:0003582. Disease mechanism: loss of function.

Submissions (3):

Labcorp Genetics (formerly Invitae), Labcorp
Classification: Uncertain significance for Hereditary breast ovarian cancer syndrome. Last evaluated: 2025-10-01. Review status: criteria provided, single submitter. Criteria: Invitae Variant Classification Sherloc (09022015). Collection method: clinical testing. Allele origin: germline.
Comment: This sequence change replaces alanine, which is neutral and non-polar, with threonine, which is neutral and polar, at codon 2852 of the BRCA2 protein (p.Ala2852Thr). This variant is not present in population databases (gnomAD no frequency). This variant has not been reported in the literature in individuals affected with BRCA2-related conditions. ClinVar contains an entry for this variant (Variation ID: 480969). Invitae Evidence Modeling of protein sequence and biophysical properties (such as structural, functional, and spatial information, amino acid conservation, physicochemical variation, residue mobility, and thermodynamic stability) indicates that this missense variant is not expected to disrupt BRCA2 protein function with a negative predictive value of 95%. In summary, the available evidence is currently insufficient to determine the role of this variant in disease. Therefore, it has been classified as a Variant of Uncertain Significance.

Color Diagnostics, LLC DBA Color Health
Classification: Uncertain significance for Hereditary cancer-predisposing syndrome. Last evaluated: 2023-10-03. Review status: criteria provided, single submitter. Criteria: ACMG Guidelines, 2015. Collection method: clinical testing. Allele origin: germline.
Comment: This missense variant replaces alanine with threonine at codon 2852 of the BRCA2 protein. Computational prediction suggests that this variant may not impact protein structure and function (internally defined REVEL score threshold <= 0.5, PMID: 27666373). To our knowledge, functional studies have not been reported for this variant. This variant has not been reported in individuals affected with BRCA2-related disorders in the literature. This variant has not been identified in the general population by the Genome Aggregation Database (gnomAD). The available evidence is insufficient to determine the role of this variant in disease conclusively. Therefore, this variant is classified as a Variant of Uncertain Significance.

Ambry Genetics
Classification: Likely benign for Hereditary cancer-predisposing syndrome. Last evaluated: 2019-05-07. Review status: criteria provided, single submitter. Criteria: Ambry Variant Classification Scheme 2023. Collection method: clinical testing. Allele origin: germline.